The following is an entry in ClinVar:

NM_201596.3(CACNB2):c.1488+13_1488+33dup

Gene: CACNB2 (calcium voltage-gated channel auxiliary subunit beta 2; plus strand). Cytogenetic location: 10p12.31.
Variant type: Duplication.
Coding change: c.1488+13_1488+33dup on transcript NM_201596.3 (MANE Select); bases 13 to 33 of the intron after coding-DNA position 1488, 21 bases duplicated (TTTATATATATCTATATATAC).
Molecular consequence: intron variant.
Genome position (GRCh38, 1-based): chr10:18,538,378-18,538,398, TTTATATATATCTATATATAC duplicated. VCF-style (leftmost placement, unchanged base first): chr10-18538377-T-TTTTATATATATCTATATATAC. GRCh37 (hg19) VCF-style: chr10-18827306-T-TTTTATATATATCTATATATAC.
Other names: c.1326+13_1326+33dupTTTATATATATCTATATATAC (NM_201590.2); c.1404+13_1404+33dup (NM_201571.4); c.1290+13_1290+33dup (NM_001167945.2); c.1332+13_1332+33dup (NM_201572.4); c.1374+13_1374+33dup (NM_201593.3); c.1416+13_1416+33dup (NM_201597.3); c.1323+13_1323+33dup (NM_000724.4); c.1209+13_1209+33dup (NM_001330060.2); and 2 more.
Identifiers: ClinVar variation 418963 (VCV000418963.40), dbSNP rs757040188, ClinGen allele CA5430042.

ClinVar aggregate classification (germline): Benign/Likely benign. Review status: criteria provided, multiple submitters, no conflicts (2 of 4 stars). 5 submissions from 5 submitters: Benign (1); Likely benign (4). Last evaluated 2026-06-01.

Conditions:
Brugada syndrome 4 (BRGDA4). Identifiers: Orphanet 130, MedGen C2678477, MONDO:0012743, OMIM 611876.

Allele frequency attached by ClinVar (database versions not stated): gnomAD exomes 0.00199 and 0.00426; ExAC 0.00227; gnomAD 0.00344 and 0.00361.

Submissions (5):

CeGaT Center for Human Genetics Tuebingen
Classification: Likely benign. Last evaluated: 2026-06-01. Review status: criteria provided, single submitter. Criteria: CeGaT Center For Human Genetics Tuebingen Variant Classification Criteria Version 2. Collection method: clinical testing. Allele origin: germline. Affected: yes. Observed: 2 variant alleles.
Comment: CACNB2: BS2

Labcorp Genetics (formerly Invitae), Labcorp
Classification: Benign for Brugada syndrome 4. Last evaluated: 2026-02-02. Review status: criteria provided, single submitter. Criteria: Invitae Variant Classification Sherloc (09022015). Collection method: clinical testing. Allele origin: germline.

Blueprint Genetics
Classification: Likely benign. Last evaluated: 2024-11-26. Review status: criteria provided, single submitter. Criteria: ACMG Guidelines, 2015. Collection method: clinical testing. Allele origin: germline.

ARUP Laboratories, Molecular Genetics and Genomics, ARUP Laboratories
Classification: Likely benign for Brugada syndrome 4. Last evaluated: 2021-03-13. Review status: criteria provided, single submitter. Criteria: ARUP Molecular Germline Variant Investigation Process 2021. Collection method: clinical testing. Allele origin: germline.

GeneDx
Classification: Likely benign. Last evaluated: 2016-07-25. Review status: criteria provided, single submitter. Criteria: GeneDx Variant Classification (06012015). Collection method: clinical testing. Allele origin: germline. Affected: yes.
Comment: This variant is considered likely benign or benign based on one or more of the following criteria: it is a conservative change, it occurs at a poorly conserved position in the protein, it is predicted to be benign by multiple in silico algorithms, and/or has population frequency not consistent with disease.